The following is an entry in ClinVar:

NM_032119.4(ADGRV1):c.814G>A (p.Val272Ile)

Gene: ADGRV1 (adhesion G protein-coupled receptor V1; plus strand). Cytogenetic location: 5q14.3.
Variant type: single nucleotide variant.
Coding change: c.814G>A on transcript NM_032119.4 (MANE Select); coding-DNA position 814, G replaced by A.
Protein change: p.Val272Ile; replaces valine 272 with isoleucine.
Molecular consequence: missense variant. On other transcripts: non-coding transcript variant (1).
Genome position (GRCh38, 1-based): chr5:90,627,352, G>A. VCF-style: chr5-90627352-G-A. GRCh37 (hg19) VCF-style: chr5-89923169-G-A.
Other names: short protein forms V272I.
Identifiers: ClinVar variation 4535750 (VCV004535750.1).

ClinVar aggregate classification (germline): Uncertain significance (1 of 4 stars; one submission).

gnomAD v4.1: 3 of 1,613,872 alleles (0.00019%); highest among the groups gnomAD compares: East Asian, 0.0067%; no homozygotes.

Submission:

Women's Health and Genetics/Laboratory Corporation of America, LabCorp
Classification: Uncertain significance. Last evaluated: 2025-09-05. Review status: criteria provided, single submitter. Criteria: LabCorp Variant Classification Summary - May 2015. Collection method: clinical testing. Allele origin: germline.
Comment: Variant summary: ADGRV1 c.814G>A (p.Val272Ile) results in a conservative amino acid change in the encoded protein sequence. Algorithms developed to predict the effect of missense changes on protein structure and function are either unavailable or do not agree on the potential impact of this missense change. The variant allele was found at a frequency of 1.2e-05 in 249106 control chromosomes (gnomAD). The available data on variant occurrences in the general population are insufficient to allow any conclusion about variant significance. c.814G>A has been observed in at least one individual affected with Rolandic epilepsy (Liu_2022). These data do not allow any conclusion about variant significance. To our knowledge, no experimental evidence demonstrating an impact on protein function has been reported. The following publication has been ascertained in the context of this evaluation (PMID: 32376792 The following publications have been ascertained in the context of this evaluation (PMID: 34160719, 35813073). No submitters have cited clinical-significance assessments for this variant to ClinVar. Based on the evidence outlined above, the variant was classified as uncertain significance.

Literature cited by the submitters: PubMed 35813073; PubMed 34160719.